The following is an entry in ClinVar:

ClinVar aggregate classification (germline): Uncertain significance (1 of 4 stars; one submission).

gnomAD v4.1: 11 of 1,613,796 alleles (0.00068%); highest among the groups gnomAD compares: Non-Finnish European, 0.00093%; no homozygotes.

Submission:

Labcorp Genetics (formerly Invitae), Labcorp
Classification: Uncertain significance. Last evaluated: 2025-09-16. Review status: criteria provided, single submitter. Criteria: Invitae Variant Classification Sherloc (09022015). Collection method: clinical testing. Allele origin: germline.
Comment: This sequence change replaces leucine, which is neutral and non-polar, with phenylalanine, which is neutral and non-polar, at codon 656 of the ADGRA3 protein (p.Leu656Phe). This variant is present in population databases (no rsID available, gnomAD 0.0009%). This variant has not been reported in the literature in individuals affected with ADGRA3-related conditions. An algorithm developed to predict the effect of missense changes on protein structure and function (PolyPhen-2) suggests that this variant is likely to be disruptive. In summary, the available evidence is currently insufficient to determine the role of this variant in disease. Therefore, it has been classified as a Variant of Uncertain Significance.

NM_145290.4(ADGRA3):c.1968G>T (p.Leu656Phe)

Gene: ADGRA3 (adhesion G protein-coupled receptor A3; minus strand). Cytogenetic location: 4p15.2.
Variant type: single nucleotide variant.
Coding change: c.1968G>T on transcript NM_145290.4 (MANE Select); coding-DNA position 1968, G replaced by T.
Protein change: p.Leu656Phe; replaces leucine 656 with phenylalanine.
Molecular consequence: missense variant.
Genome position (GRCh38, 1-based): chr4:22,413,656, C>A on the plus strand (G>T on the coding strand, the complement: ADGRA3 is on the minus strand). VCF-style: chr4-22413656-C-A. GRCh37 (hg19) VCF-style: chr4-22415279-C-A.
Other names: short protein forms L656F.
Identifiers: ClinVar variation 4747129 (VCV004747129.1).
Genomic context (GRCh38, chr4:22,413,656, plus strand): 5'-CAAACCTATTTTGGTGAGAATCACAGGGGTAACCACAGTACGTCGTTTTCCATCATCAGC[C>A]AAATTTGTTGAATTTCCAGTGGCTGGAAAAAGCTTTCCATTGCGGAATGCAATGAGTTGA-3'
Protein context (NP_660333.2, residues 646-666): LFPATGNSTN[Leu656Phe]ADDGKRRTVV